The following is an entry in ClinVar:

ClinVar aggregate classification (germline): Uncertain significance (1 of 4 stars; one submission).

Conditions:
Chédiak-Higashi syndrome (CHS). Also called: Chediak-Higashi Syndrome. Identifiers: Orphanet 167, MedGen C0007965, MONDO:0008963, OMIM 214500.

Submission:

Labcorp Genetics (formerly Invitae), Labcorp
Classification: Uncertain significance for Chédiak-Higashi syndrome. Last evaluated: 2022-05-27. Review status: criteria provided, single submitter. Criteria: Invitae Variant Classification Sherloc (09022015). Collection method: clinical testing. Allele origin: germline.
Comment: In summary, the available evidence is currently insufficient to determine the role of this variant in disease. Therefore, it has been classified as a Variant of Uncertain Significance. Algorithms developed to predict the effect of missense changes on protein structure and function (SIFT, PolyPhen-2, Align-GVGD) all suggest that this variant is likely to be tolerated. This variant has not been reported in the literature in individuals affected with LYST-related conditions. This variant is present in population databases (no rsID available, gnomAD 0.007%). This sequence change replaces alanine, which is neutral and non-polar, with threonine, which is neutral and polar, at codon 2360 of the LYST protein (p.Ala2360Thr).

NM_000081.4(LYST):c.7078G>A (p.Ala2360Thr)

Gene: LYST (lysosomal trafficking regulator; minus strand). Cytogenetic location: 1q42.3.
Variant type: single nucleotide variant.
Coding change: c.7078G>A on transcript NM_000081.4 (MANE Select); coding-DNA position 7078, G replaced by A.
Protein change: p.Ala2360Thr; replaces alanine 2360 with threonine.
Molecular consequence: missense variant.
Genome position (GRCh38, 1-based): chr1:235,755,629, C>T on the plus strand (G>A on the coding strand, the complement: LYST is on the minus strand). VCF-style: chr1-235755629-C-T. GRCh37 (hg19) VCF-style: chr1-235918929-C-T.
Other names: c.7078G>A, p.Ala2360Thr (NM_001301365.1); short protein forms A2360T.
Identifiers: ClinVar variation 1999384 (VCV001999384.4), dbSNP rs907409293, ClinGen allele CA344935301.